The following is an entry in ClinVar:

NM_000368.5(TSC1):c.1816del (p.His606fs)

Gene: TSC1 (TSC complex subunit 1; minus strand). Cytogenetic location: 9q34.13.
Variant type: Deletion.
Coding change: c.1816del on transcript NM_000368.5 (MANE Select); coding-DNA position 1816, one base deleted (C; older notation c.1816delC).
Protein change: p.His606fs; shifts the reading frame from histidine 606.
Molecular consequence: frameshift variant.
Genome position (GRCh38, 1-based): chr9:132,905,762, G deleted on the plus strand (C on the coding strand, the reverse complement: TSC1 is on the minus strand). VCF-style (leftmost placement, unchanged base first): chr9-132905761-TG-T. GRCh37 (hg19) VCF-style: chr9-135781148-TG-T.
Other names: c.1816delC, p.His606Ilefs (NM_001406594.1, NM_001406595.1, NM_001406596.1 and 7 more transcripts); c.1813delC, p.His605Ilefs (NM_001406597.1, NM_001406599.1, NM_001406603.1 and 5 more transcripts); c.1813del, p.His605fs (NM_001162426.2); c.1663del, p.His555fs (NM_001162427.2); c.1453del, p.His485fs (NM_001362177.2); c.1663delC, p.His555Ilefs (NM_001406610.1); c.1660delC, p.His554Ilefs (NM_001406611.1, NM_001406612.1, NM_001406613.1); c.1453delC, p.His485Ilefs (NM_001406614.1, NM_001406615.1, NM_001406616.1 and 4 more transcripts); and 4 more; short protein forms H555fs, H605fs, H485fs, H606fs.
Identifiers: ClinVar variation 1780674 (VCV001780674.2), dbSNP rs2538714375, ClinGen allele CA2580079911.

ClinVar aggregate classification (germline): Pathogenic (1 of 4 stars; one submission).

Conditions:
Hereditary cancer-predisposing syndrome. Also called: Neoplastic Syndromes, Hereditary; Tumor predisposition; Hereditary Cancer Syndrome; Hereditary neoplastic syndrome. Identifiers: Orphanet 140162, MedGen C0027672, MeSH D009386, MONDO:0015356.

Submission:

Ambry Genetics
Classification: Pathogenic for Hereditary cancer-predisposing syndrome. Last evaluated: 2017-09-18. Review status: criteria provided, single submitter. Criteria: Ambry Variant Classification Scheme 2023. Collection method: clinical testing. Allele origin: germline.
Comment: The c.1816delC pathogenic mutation, located in coding exon 13 of the TSC1 gene, results from a deletion of one nucleotide at nucleotide position 1816, causing a translational frameshift with a predicted alternate stop codon (p.H606Ifs*23). This alteration is expected to result in loss of function by premature protein truncation or nonsense-mediated mRNA decay. As such, this alteration is interpreted as a disease-causing mutation.